The following is an entry in ClinVar:

NM_033026.6(PCLO):c.12767T>C (p.Met4256Thr)

Gene: PCLO (piccolo presynaptic cytomatrix protein; minus strand). Cytogenetic location: 7q21.11.
Variant type: single nucleotide variant.
Coding change: c.12767T>C on transcript NM_033026.6 (MANE Select); coding-DNA position 12767, T replaced by C.
Protein change: p.Met4256Thr; replaces methionine 4256 with threonine.
Molecular consequence: missense variant.
Genome position (GRCh38, 1-based): chr7:82,915,219, A>G on the plus strand (T>C on the coding strand, the complement: PCLO is on the minus strand). VCF-style: chr7-82915219-A-G. GRCh37 (hg19) VCF-style: chr7-82544535-A-G.
Other names: c.12767T>C, p.Met4256Thr (NM_014510.3); short protein forms M4256T.
Identifiers: ClinVar variation 2192702 (VCV002192702.2), dbSNP rs768049224, ClinGen allele CA4319314.
Genomic context (GRCh38, chr7:82,915,219, plus strand): 5'-TGCAGAGCTGAGCGTATGGTATTTCCTAATGTGCCCAGTCCTGTGCCAAGAGAAGATCCC[A>G]TAAATTTTTGTTGGTCTGTAATATTTTTTCTGAGGCCAAAAGTGATGTCATCTTGAAGGA-3'
Protein context (NP_149015.2, residues 4246-4266): RKNITDQQKF[Met4256Thr]GSSLGTGLGT

ClinVar aggregate classification (germline): Uncertain significance. Review status: criteria provided, multiple submitters, no conflicts (2 of 4 stars). 2 submissions from 2 submitters: Uncertain significance (2). Last evaluated 2022-04-09.

Conditions:
Pontocerebellar hypoplasia type 3 (PCH3). Also called: PCH WITH OPTIC ATROPHY; CEREBELLAR ATROPHY WITH PROGRESSIVE MICROCEPHALY. Identifiers: Orphanet 97249, MedGen C1842687, MONDO:0011948, OMIM 608027.

Allele frequency attached by ClinVar (database versions not stated): ExAC 0.00001; gnomAD 0.00002; gnomAD exomes 0.00003; TOPMed 0.00003.
gnomAD v4.1: 47 of 1,612,928 alleles (0.0029%); highest among the groups gnomAD compares: Non-Finnish European, 0.0023%; no homozygotes.

Submissions (2):

Labcorp Genetics (formerly Invitae), Labcorp
Classification: Uncertain significance. Last evaluated: 2022-04-09. Review status: criteria provided, single submitter. Criteria: Invitae Variant Classification Sherloc (09022015). Collection method: clinical testing. Allele origin: germline.
Comment: This sequence change replaces methionine, which is neutral and non-polar, with threonine, which is neutral and polar, at codon 4256 of the PCLO protein (p.Met4256Thr). This variant is present in population databases (rs768049224, gnomAD 0.02%). This variant has not been reported in the literature in individuals affected with PCLO-related conditions. Algorithms developed to predict the effect of missense changes on protein structure and function are either unavailable or do not agree on the potential impact of this missense change (SIFT: "Deleterious"; PolyPhen-2: "Not Available"; Align-GVGD: "Class C0"). In summary, the available evidence is currently insufficient to determine the role of this variant in disease. Therefore, it has been classified as a Variant of Uncertain Significance.

Department of Pathology and Laboratory Medicine, Sinai Health System
Classification: Uncertain significance for Pontocerebellar hypoplasia type 3. Last evaluated: 2020-06-19. Review status: criteria provided, single submitter. Criteria: ACMG Guidelines, 2015. Collection method: research. Allele origin: germline.